The following is an entry in ClinVar:

ClinVar aggregate classification (germline): Pathogenic/Likely pathogenic. Review status: criteria provided, multiple submitters, no conflicts (2 of 4 stars). 5 submissions from 5 submitters: Pathogenic (4); Likely pathogenic (1). Last evaluated 2023-07-22.

Conditions:
Retinitis pigmentosa (RP). Identifiers: Orphanet 791, MedGen C0035334, MeSH D012174, MONDO:0019200, OMIM 268000. Inheritance: Autosomal dominant, autosomal recessive and X linked inheritance.
PDE6B-related disorder. Also called: PDE6B-related disease; PDE6B-related condition; PDE6B-related disorders.
Retinal dystrophy. Also called: Inherited retinal dystrophy. Identifiers: Orphanet 71862, MedGen C0854723, MeSH D058499, MONDO:0019118, HP:0000556.

Allele frequency attached by ClinVar (database versions not stated): ExAC below 0.00001; gnomAD 0.00001; gnomAD exomes 0.00001; TOPMed 0.00002.
gnomAD v4.1: 28 of 1,568,538 alleles (0.0018%); highest among the groups gnomAD compares: East Asian, 0.0023%; no homozygotes.

Submissions (5):

Labcorp Genetics (formerly Invitae), Labcorp
Classification: Pathogenic. Last evaluated: 2023-07-22. Review status: criteria provided, single submitter. Criteria: Invitae Variant Classification Sherloc (09022015). Collection method: clinical testing. Allele origin: germline.
Comment: ClinVar contains an entry for this variant (Variation ID: 632445). This sequence change creates a premature translational stop signal (p.Gln567*) in the PDE6B gene. It is expected to result in an absent or disrupted protein product. Loss-of-function variants in PDE6B are known to be pathogenic (PMID: 8394174, 8595886, 22334370). The frequency data for this variant in the population databases is considered unreliable, as metrics indicate poor data quality at this position in the gnomAD database. This premature translational stop signal has been observed in individual(s) with retinitis pigmentosa (PMID: 24265693, 26766544, 30646425). For these reasons, this variant has been classified as Pathogenic.

Blueprint Genetics
Classification: Pathogenic for PDE6B-related disorders. Last evaluated: 2022-01-06. Review status: criteria provided, single submitter. Criteria: ACMG Guidelines, 2015. Collection method: clinical testing. Allele origin: germline. Affected: yes. Observed: 4 variant alleles.

Broad Center for Mendelian Genomics, Broad Institute of MIT and Harvard
Classification: Pathogenic for Retinitis pigmentosa. Last evaluated: 2021-04-01. Review status: criteria provided, single submitter. Criteria: ACMG Guidelines, 2015. Collection method: curation. Allele origin: germline. Inheritance: Autosomal recessive inheritance. Affected: yes.
Comment: Through a review of available evidence we were able to apply the following criteria: PVS1, PM2, PM3-P. Based on this evidence we have classified this variant as Pathogenic. If you have any questions about the classification please reach out to the Pierce Lab.

Illumina Laboratory Services, Illumina
Classification: Likely pathogenic for PDE6B-Related Disorders. Last evaluated: 2018-10-16. Review status: criteria provided, single submitter. Criteria: ICSL Variant Classification Criteria 09 May 2019. Collection method: clinical testing. Allele origin: germline.
Comment: The PDE6B c.1699C>T (p.Gln567Ter) variant is a stop-gained variant predicted to result in premature termination of the protein. The p.Gln567Ter variant has been reported in two studies in which it was found in a homozygous state in two unrelated individuals, both diagnosed with an autosomal recessive form of retinitis pigmentosa. One individual also carried a heterozygous variant in the ABCA4 gene (Eisenberger et al. 2013; Weisschuh et al. 2016). The variant has not been reported in the literature in association with congenital stationary night blindness, another condition associated with variants in the PDE6B gene. Control data are unavailable for the p.Gln567Ter variant, which is not found in the 1000 Genomes Project, the Exome Sequencing Project, Exome Aggregation Consortium, or the Genome Aggregation Database. Based on the evidence from the literature and the potential impact of stop-gained variants, the p.Gln567Ter variant is classified as likely pathogenic for PDE6B-related disorders. This variant was observed by ICSL as part of a predisposition screen in an ostensibly healthy population.

Institute of Human Genetics, Univ. Regensburg, Univ. Regensburg
Classification: Pathogenic for Retinal dystrophy. Last evaluated: 2017-01-01. Review status: criteria provided, single submitter. Criteria: ACMG Guidelines, 2015. Collection method: clinical testing. Allele origin: germline. Affected: yes.

Literature cited by the submitters: PubMed 8394174 (cited by Labcorp Genetics (formerly Invitae), Labcorp); PubMed 8595886 (cited by Labcorp Genetics (formerly Invitae), Labcorp); PubMed 22334370 (cited by Labcorp Genetics (formerly Invitae), Labcorp); PubMed 24265693 (cited by 4 submitters); PubMed 26766544 (cited by Labcorp Genetics (formerly Invitae), Labcorp and Illumina Laboratory Services, Illumina); PubMed 30646425 (cited by Labcorp Genetics (formerly Invitae), Labcorp); PubMed 34906470 (cited by Broad Center for Mendelian Genomics, Broad Institute of MIT and Harvard).

NM_000283.4(PDE6B):c.1699C>T (p.Gln567Ter)

Gene: PDE6B (phosphodiesterase 6B; plus strand). Cytogenetic location: 4p16.3.
Variant type: single nucleotide variant.
Coding change: c.1699C>T on transcript NM_000283.4 (MANE Select); coding-DNA position 1699, C replaced by T.
Protein change: p.Gln567Ter; replaces glutamine 567 with a stop codon.
Molecular consequence: nonsense.
Genome position (GRCh38, 1-based): chr4:662,218, C>T. VCF-style: chr4-662218-C-T. GRCh37 (hg19) VCF-style: chr4-656007-C-T.
Other names: c.1699C>T, p.Gln567Ter (NM_001145291.2); c.862C>T, p.Gln288Ter (NM_001145292.2, NM_001350154.3, NM_001379246.1 and 1 more transcripts); c.544C>T, p.Gln182Ter (NM_001350155.3); short protein forms Q567*, Q182*, Q288*.
Identifiers: ClinVar variation 632445 (VCV000632445.18), dbSNP rs772057239, ClinGen allele CA2794635.